The following is an entry in ClinVar:

ClinVar aggregate classification (germline): Uncertain significance. Review status: criteria provided, multiple submitters, no conflicts (2 of 4 stars). 4 submissions from 4 submitters: Uncertain significance (4). Last evaluated 2026-03-20.

Conditions:
UCP3-related disorder. Also called: UCP3-related condition.
Obesity. Also called: Obesity disorder. Identifiers: Orphanet 71529, MedGen C0028754, MeSH D009765, MONDO:0011122, HP:0001513.

Allele frequency attached by ClinVar (database versions not stated): ExAC 0.00002; gnomAD exomes 0.00002; ESP Exome Variant Server 0.00008; gnomAD 0.00008; TOPMed 0.00008; 1000 Genomes Project 30x 0.00016; 1000 Genomes Project 0.00020.

Submissions (4):

PreventionGenetics, part of Exact Sciences
Classification: Uncertain significance for UCP3-related condition. Last evaluated: 2026-03-20. Review status: criteria provided, single submitter. Criteria: ACMG Guidelines, 2015. Collection method: clinical testing. Allele origin: germline.
Comment: The UCP3 c.490G>A variant is predicted to result in the amino acid substitution p.Asp164Asn. This variant has been observed, along with two other variants in different genes, in an individual from a cohort of patients with late-onset end-stage renal disease undergoing exome sequencing testing (Patient 19 in Kazan et al. 2025. PubMed ID: 40718208). This variant is reported in 0.028% of alleles in individuals of African descent in gnomAD. At this time, the clinical significance of this variant is uncertain due to the absence of conclusive functional and genetic evidence.

Ambry Genetics
Classification: Uncertain significance. Last evaluated: 2025-03-26. Review status: criteria provided, single submitter. Criteria: Ambry Variant Classification Scheme 2023. Collection method: clinical testing. Allele origin: germline.

Fulgent Genetics
Classification: Uncertain significance for Inherited obesity. Last evaluated: 2021-11-11. Review status: criteria provided, single submitter. Criteria: ACMG Guidelines, 2015. Collection method: clinical testing. Allele origin: unknown.

Baylor Genetics
Classification: Uncertain significance for Inherited obesity. Last evaluated: 2019-11-04. Review status: criteria provided, single submitter. Criteria: ACMG Guidelines, 2015. Collection method: clinical testing. Allele origin: unknown. Affected: yes.
Comment: This variant was determined to be of uncertain significance according to ACMG Guidelines, 2015 [PMID:25741868].

NM_003356.4(UCP3):c.490G>A (p.Asp164Asn)

Gene: UCP3 (uncoupling protein 3; minus strand). Cytogenetic location: 11q13.4.
Variant type: single nucleotide variant.
Coding change: c.490G>A on transcript NM_003356.4 (MANE Select); coding-DNA position 490, G replaced by A.
Protein change: p.Asp164Asn; replaces aspartic acid 164 with asparagine.
Molecular consequence: missense variant.
Genome position (GRCh38, 1-based): chr11:74,005,781, C>T on the plus strand (G>A on the coding strand, the complement: UCP3 is on the minus strand). VCF-style: chr11-74005781-C-T. GRCh37 (hg19) VCF-style: chr11-73716826-C-T.
Other names: c.490G>A, p.Asp164Asn (NM_022803.3); short protein forms D164N.
Identifiers: ClinVar variation 1029698 (VCV001029698.7), dbSNP rs367566750, ClinGen allele CA6181471.